The following is an entry in ClinVar:

ClinVar aggregate classification (germline): Conflicting classifications of pathogenicity. Review status: criteria provided, conflicting classifications (1 of 4 stars). 5 submissions from 5 submitters: Uncertain significance (1); Benign (1); Likely benign (3). Last evaluated 2026-05-07.

Conditions:
FOXP3-related disorder. Also called: FOXP3-related condition.
Inborn genetic diseases. Identifiers: MedGen C0950123, MeSH D030342.
Insulin-dependent diabetes mellitus secretory diarrhea syndrome (IPEX). Also called: DIABETES MELLITUS, CONGENITAL INSULIN-DEPENDENT, WITH FATAL SECRETORY DIARRHEA; DIARRHEA, POLYENDOCRINOPATHY, FATAL INFECTION SYNDROME, X-LINKED; ENTEROPATHY, AUTOIMMUNE, WITH HEMOLYTIC ANEMIA AND POLYENDOCRINOPATHY; Immunodysregulation, polyendocrinopathy, and enteropathy, X-linked; Immune dysregulation-polyendocrinopathy-enteropathy-X-linked syndrome; X-Linked Autoimmunity-Allergic Dysregulation Syndrome. Identifiers: Orphanet 37042, MedGen C0342288, MONDO:0010580, OMIM 304790. Disease mechanism: loss of function.

Allele frequency attached by ClinVar (database versions not stated): gnomAD exomes 0.00008 and 0.00029; ExAC 0.00012; TOPMed 0.00017; gnomAD 0.00018 and 0.00019; ESP Exome Variant Server 0.00019.

Submissions (5):

PreventionGenetics, part of Exact Sciences
Classification: Likely benign for FOXP3-related condition. Last evaluated: 2026-05-07. Review status: criteria provided, single submitter. Criteria: ACMG Guidelines, 2015. Collection method: clinical testing. Allele origin: germline.
Comment: This variant is classified as likely benign based on ACMG/AMP sequence variant interpretation guidelines (Richards et al. 2015 PMID: 25741868, with internal and published modifications).

Labcorp Genetics (formerly Invitae), Labcorp
Classification: Benign for Insulin-dependent diabetes mellitus secretory diarrhea syndrome. Last evaluated: 2025-12-23. Review status: criteria provided, single submitter. Criteria: Invitae Variant Classification Sherloc (09022015). Collection method: clinical testing. Allele origin: germline.

Blueprint Genetics
Classification: Likely benign. Last evaluated: 2024-04-23. Review status: criteria provided, single submitter. Criteria: ACMG Guidelines, 2015. Collection method: clinical testing. Allele origin: germline.

Ambry Genetics
Classification: Uncertain significance for Inborn genetic diseases. Last evaluated: 2024-01-23. Review status: criteria provided, single submitter. Criteria: Ambry Variant Classification Scheme 2023. Collection method: clinical testing. Allele origin: germline.

Fulgent Genetics
Classification: Likely benign for Insulin-dependent diabetes mellitus secretory diarrhea syndrome. Last evaluated: 2022-03-05. Review status: criteria provided, single submitter. Criteria: ACMG Guidelines, 2015. Collection method: clinical testing. Allele origin: unknown.

NM_014009.4(FOXP3):c.874G>A (p.Val292Ile)

Gene: FOXP3 (forkhead box P3; minus strand). Cytogenetic location: Xp11.23.
Variant type: single nucleotide variant.
Coding change: c.874G>A on transcript NM_014009.4 (MANE Select); coding-DNA position 874, G replaced by A.
Protein change: p.Val292Ile; replaces valine 292 with isoleucine.
Molecular consequence: missense variant.
Genome position (GRCh38, 1-based): chrX:49,254,010, C>T on the plus strand (G>A on the coding strand, the complement: FOXP3 is on the minus strand). VCF-style: chrX-49254010-C-T. GRCh37 (hg19) VCF-style: chrX-49110471-C-T.
Other names: c.769G>A, p.Val257Ile (NM_001114377.2); c.874G>A (NM_014009.3); short protein forms V257I, V292I.
Identifiers: ClinVar variation 1168551 (VCV001168551.13), dbSNP rs74162067, ClinGen allele CA10411715.